The following is an entry in ClinVar:

NM_007186.6(CEP250):c.385G>A (p.Val129Met)

Gene: CEP250 (centrosomal protein 250; plus strand). Cytogenetic location: 20q11.22.
Variant type: single nucleotide variant.
Coding change: c.385G>A on transcript NM_007186.6 (MANE Select); coding-DNA position 385, G replaced by A.
Protein change: p.Val129Met; replaces valine 129 with methionine.
Molecular consequence: missense variant. On other transcripts: 5 prime UTR variant (1).
Genome position (GRCh38, 1-based): chr20:35,466,097, G>A. VCF-style: chr20-35466097-G-A. GRCh37 (hg19) VCF-style: chr20-34053922-G-A.
Other names: c.-1515G>A (NM_001318219.1); short protein forms V129M.
Identifiers: ClinVar variation 2107815 (VCV002107815.4), dbSNP rs780242737, ClinGen allele CA9832608.
Genomic context (GRCh38, chr20:35,466,097, plus strand): 5'-AGGTGTGAGAGTCTAGCAGAGGTGAACACCCAGCTTCGACTGCACATGGAAAAAGCTGAC[G>A]TGGTGAATAAAGCCCTTAGGGAAGATGTGGAAAAACTGACAGTGGACTGGAGCCGGGCCC-3'
Protein context (NP_009117.2, residues 119-139): QLRLHMEKAD[Val129Met]VNKALREDVE

ClinVar aggregate classification (germline): Uncertain significance (1 of 4 stars; one submission).

Allele frequency attached by ClinVar (database versions not stated): TOPMed below 0.00001; gnomAD 0.00001; ExAC 0.00002; gnomAD exomes 0.00002.

Submission:

Labcorp Genetics (formerly Invitae), Labcorp
Classification: Uncertain significance. Last evaluated: 2022-06-22. Review status: criteria provided, single submitter. Criteria: Invitae Variant Classification Sherloc (09022015). Collection method: clinical testing. Allele origin: germline.
Comment: This sequence change replaces valine, which is neutral and non-polar, with methionine, which is neutral and non-polar, at codon 129 of the CEP250 protein (p.Val129Met). This variant is present in population databases (rs780242737, gnomAD 0.009%). In summary, the available evidence is currently insufficient to determine the role of this variant in disease. Therefore, it has been classified as a Variant of Uncertain Significance. Algorithms developed to predict the effect of missense changes on protein structure and function output the following: SIFT: "Not Available"; PolyPhen-2: "Benign"; Align-GVGD: "Not Available". The methionine amino acid residue is found in multiple mammalian species, which suggests that this missense change does not adversely affect protein function. This variant has not been reported in the literature in individuals affected with CEP250-related conditions.